The following is an entry in ClinVar:

ClinVar aggregate classification (germline): Uncertain significance (1 of 4 stars; one submission).

Conditions:
Cardiomyopathy (CMYO). Also called: Cardiomyopathies. Identifiers: Orphanet 167848, MedGen C0878544, MONDO:0004994, HP:0001638. Inheritance: Various modes of inheritance.

Allele frequency attached by ClinVar (database versions not stated): gnomAD exomes 0.00001.
gnomAD v4.1: 9 of 1,347,570 alleles (0.00067%); highest among the groups gnomAD compares: Non-Finnish European, 0.00089%; no homozygotes.

Submission:

Color Diagnostics, LLC DBA Color Health
Classification: Uncertain significance for Cardiomyopathy. Last evaluated: 2023-05-08. Review status: criteria provided, single submitter. Criteria: ACMG Guidelines, 2015. Collection method: clinical testing. Allele origin: germline.
Comment: This missense variant replaces glycine with cysteine at codon 473 of the PKP2 protein. Computational prediction suggests that this variant may not impact protein structure and function (internally defined REVEL score threshold <= 0.5, PMID: 27666373). To our knowledge, functional studies have not been reported for this variant. This variant has not been reported in individuals affected with PKP2-related disorders in the literature. This variant has not been identified in the general population by the Genome Aggregation Database (gnomAD). The available evidence is insufficient to determine the role of this variant in disease conclusively. Therefore, this variant is classified as a Variant of Uncertain Significance.

NM_001005242.3(PKP2):c.1379-2070G>T

Gene: PKP2 (plakophilin 2; minus strand). Cytogenetic location: 12p11.21.
Variant type: single nucleotide variant.
Coding change: c.1379-2070G>T on transcript NM_001005242.3 (MANE Select); 2070 bases into the intron before coding-DNA position 1379, G replaced by T.
Molecular consequence: intron variant. On other transcripts: missense variant (2).
Genome position (GRCh38, 1-based): chr12:32,843,275, C>A on the plus strand (G>T on the coding strand, the complement: PKP2 is on the minus strand). VCF-style: chr12-32843275-C-A. GRCh37 (hg19) VCF-style: chr12-32996209-C-A.
Other names: c.1417G>T, p.Gly473Cys (NM_001407157.1, NM_004572.4); c.1379-2070G>T (NM_001407156.1, NM_001407155.1, NM_001407161.1); c.1052-2070G>T (NM_001407160.1, NM_001407159.1, NM_001407158.1 and 1 more transcripts); short protein forms G473C.
Identifiers: ClinVar variation 2774099 (VCV002774099.2), dbSNP rs1956616612, ClinGen allele CA384368727.